The following is an entry in ClinVar:

NM_016333.4(SRRM2):c.4835C>G (p.Pro1612Arg)

Gene: SRRM2 (serine/arginine repetitive matrix 2; plus strand). Cytogenetic location: 16p13.3.
Variant type: single nucleotide variant.
Coding change: c.4835C>G on transcript NM_016333.4 (MANE Select); coding-DNA position 4835, C replaced by G.
Protein change: p.Pro1612Arg; replaces proline 1612 with arginine.
Molecular consequence: missense variant.
Genome position (GRCh38, 1-based): chr16:2,765,363, C>G. VCF-style: chr16-2765363-C-G. GRCh37 (hg19) VCF-style: chr16-2815364-C-G.
Other names: short protein forms P1612R.
Identifiers: ClinVar variation 3343344 (VCV003343344.1).

ClinVar aggregate classification (germline): Uncertain significance (1 of 4 stars; one submission).

Submission:

GeneDx
Classification: Uncertain significance. Last evaluated: 2023-05-05. Review status: criteria provided, single submitter. Criteria: GeneDx Variant Classification Process June 2021. Collection method: clinical testing. Allele origin: germline. Affected: yes.
Comment: Not observed at significant frequency in large population cohorts (gnomAD); In silico analysis supports that this missense variant does not alter protein structure/function; Has not been previously published as pathogenic or benign to our knowledge